The following is an entry in ClinVar:

ClinVar aggregate classification (germline): Uncertain significance (1 of 4 stars; one submission).

Conditions:
Cardiovascular phenotype. Identifiers: MedGen CN230736.

Submission:

Ambry Genetics
Classification: Uncertain significance for Cardiovascular phenotype. Last evaluated: 2026-09-11. Review status: criteria provided, single submitter. Criteria: Ambry Variant Classification Scheme 2023. Collection method: clinical testing. Allele origin: germline.
Comment: The p.P663A variant (also known as c.1987C>G), located in coding exon 14 of the APOB gene, results from a C to G substitution at nucleotide position 1987. The proline at codon 663 is replaced by alanine, an amino acid with highly similar properties. This amino acid position is conserved. In addition, this alteration is predicted to be tolerated by in silico analysis. Based on the available evidence, the clinical significance of this variant remains unclear.

NM_000384.3(APOB):c.1987C>G (p.Pro663Ala)

Gene: APOB (apolipoprotein B; minus strand). Cytogenetic location: 2p24.1.
Variant type: single nucleotide variant.
Coding change: c.1987C>G on transcript NM_000384.3 (MANE Select); coding-DNA position 1987, C replaced by G.
Protein change: p.Pro663Ala; replaces proline 663 with alanine.
Molecular consequence: missense variant.
Genome position (GRCh38, 1-based): chr2:21,027,908, G>C on the plus strand (C>G on the coding strand, the complement: APOB is on the minus strand). VCF-style: chr2-21027908-G-C. GRCh37 (hg19) VCF-style: chr2-21250780-G-C.
Other names: short protein forms P663A.
Identifiers: ClinVar variation 3933911 (VCV003933911.2).